The following is an entry in ClinVar:

ClinVar aggregate classification (germline): Pathogenic (1 of 4 stars; one submission).

Allele frequency attached by ClinVar (database versions not stated): gnomAD exomes below 0.00001.
gnomAD v4.1: 2 of 1,549,896 alleles (0.00013%); highest among the groups gnomAD compares: Non-Finnish European, 0.00017%; no homozygotes.

Submission:

GeneDx
Classification: Pathogenic. Last evaluated: 2023-02-08. Review status: criteria provided, single submitter. Criteria: GeneDx Variant Classification Process June 2021. Collection method: clinical testing. Allele origin: germline. Affected: yes.
Comment: Nonsense variant predicted to result in protein truncation or nonsense mediated decay in a gene for which loss of function is a known mechanism of disease; Not observed at significant frequency in large population cohorts (gnomAD); Has not been previously published as pathogenic or benign to our knowledge

NM_020812.4(DOCK6):c.5231G>A (p.Trp1744Ter)

Genes: DOCK6 (dedicator of cytokinesis 6; minus strand), DOCK6-AS1 (DOCK6 antisense RNA 1; plus strand). Cytogenetic location: 19p13.2.
Variant type: single nucleotide variant.
Coding change: c.5231G>A on transcript NM_020812.4 (MANE Select); coding-DNA position 5231, G replaced by A.
Protein change: p.Trp1744Ter; replaces tryptophan 1744 with a stop codon.
Molecular consequence: nonsense.
Genome position (GRCh38, 1-based): chr19:11,204,085, C>T on the plus strand (G>A on the coding strand, the complement: DOCK6 is on the minus strand). VCF-style: chr19-11204085-C-T. GRCh37 (hg19) VCF-style: chr19-11314761-C-T.
Other names: c.5336G>A, p.Trp1779Ter (NM_001367830.1); short protein forms W1744*, W1779*.
Identifiers: ClinVar variation 2576806 (VCV002576806.1), dbSNP rs2512937682, ClinGen allele CA404075644.